The following is an entry in ClinVar:

NM_031372.4(HNRNPDL):c.245G>A (p.Arg82His)

Gene: HNRNPDL (heterogeneous nuclear ribonucleoprotein D like; minus strand). Cytogenetic location: 4q21.22.
Variant type: single nucleotide variant.
Coding change: c.245G>A on transcript NM_031372.4 (MANE Select); coding-DNA position 245, G replaced by A.
Protein change: p.Arg82His; replaces arginine 82 with histidine.
Molecular consequence: missense variant. On other transcripts: non-coding transcript variant (1).
Genome position (GRCh38, 1-based): chr4:82,429,446, C>T on the plus strand (G>A on the coding strand, the complement: HNRNPDL is on the minus strand). VCF-style: chr4-82429446-C-T. GRCh37 (hg19) VCF-style: chr4-83350599-C-T.
Other names: c.245G>A, p.Arg82His (NM_001207000.1); short protein forms R82H.
Identifiers: ClinVar variation 2148773 (VCV002148773.4), dbSNP rs200595389, ClinGen allele CA2985113.
Genomic context (GRCh38, chr4:82,429,446, plus strand): 5'-GCAGCGGCGGCGGAGCGTTGTATGGAGCTGGATTTAAAATGGCGGCGGAAGAGATCCGGG[C>T]GCCGCCTGCGCCCTCCCTTTATAGCCGCCCCGCCCGCCAATCGGGAGGGCTGCTGGGCGG-3'
Protein context (NP_112740.1, residues 72-92): GAAIKGGRRR[Arg82His]PDLFRRHFKS

ClinVar aggregate classification (germline): Uncertain significance (1 of 4 stars; one submission).

Conditions:
Autosomal dominant limb-girdle muscular dystrophy type 1G (LGMDD3). Also called: MUSCULAR DYSTROPHY, LIMB-GIRDLE, AUTOSOMAL DOMINANT 3; Limb-girdle muscular dystrophy, type 1G. Identifiers: Orphanet 55596, MedGen C1836765, MONDO:0012193, OMIM 609115.

Submission:

Labcorp Genetics (formerly Invitae), Labcorp
Classification: Uncertain significance for Autosomal dominant limb-girdle muscular dystrophy type 1G. Last evaluated: 2025-09-11. Review status: criteria provided, single submitter. Criteria: Invitae Variant Classification Sherloc (09022015). Collection method: clinical testing. Allele origin: germline.
Comment: This sequence change replaces arginine, which is basic and polar, with histidine, which is basic and polar, at codon 82 of the HNRNPDL protein (p.Arg82His). This variant is present in population databases (rs200595389, gnomAD 0.004%). This variant has not been reported in the literature in individuals affected with HNRNPDL-related conditions. ClinVar contains an entry for this variant (Variation ID: 2148773). An algorithm developed to predict the effect of missense changes on protein structure and function (PolyPhen-2) suggests that this variant is likely to be disruptive. In summary, the available evidence is currently insufficient to determine the role of this variant in disease. Therefore, it has been classified as a Variant of Uncertain Significance.